The following is an entry in ClinVar:

NM_003079.5(SMARCE1):c.890G>A (p.Arg297His)

Gene: SMARCE1 (SWI/SNF related BAF chromatin remodeling complex subunit E1; minus strand). Cytogenetic location: 17q21.2.
Variant type: single nucleotide variant.
Coding change: c.890G>A on transcript NM_003079.5 (MANE Select); coding-DNA position 890, G replaced by A.
Protein change: p.Arg297His; replaces arginine 297 with histidine.
Molecular consequence: missense variant.
Genome position (GRCh38, 1-based): chr17:40,630,851, C>T on the plus strand (G>A on the coding strand, the complement: SMARCE1 is on the minus strand). VCF-style: chr17-40630851-C-T. GRCh37 (hg19) VCF-style: chr17-38787103-C-T.
Other names: short protein forms R297H.
Identifiers: ClinVar variation 822821 (VCV000822821.14), dbSNP rs1172017371, ClinGen allele CA399363765.
Genomic context (GRCh38, chr17:40,630,851, plus strand): 5'-CTGCTCTGACTGCGCTCAGCTTGCTCTGCGGCCTCCTTCTCCCTTTCCTCCTGCCTTTTG[C>T]GGGCCTGTTCCTCTGCCTGTGCAATCTCAGCTGCAATTTTCTCCATATCCACTTCTACTT-3'
Protein context (NP_003070.3, residues 287-307): AEIAQAEEQA[Arg297His]KRQEEREKEA

ClinVar aggregate classification (germline): Uncertain significance. Review status: criteria provided, multiple submitters, no conflicts (2 of 4 stars). 2 submissions from 2 submitters: Uncertain significance (2). Last evaluated 2025-11-23.

Conditions:
Hereditary cancer-predisposing syndrome. Also called: Tumor predisposition; Hereditary Cancer Syndrome; Neoplastic Syndromes, Hereditary; Hereditary neoplastic syndrome. Identifiers: Orphanet 140162, MedGen C0027672, MeSH D009386, MONDO:0015356.
Familial meningioma. Also called: Meningioma, familial, susceptibility to. Identifiers: Orphanet 263662, MedGen C3551915, MONDO:0011789, OMIM 607174.

Allele frequency attached by ClinVar (database versions not stated): gnomAD exomes below 0.00001; TOPMed below 0.00001.
gnomAD v4.1: 13 of 1,613,944 alleles (0.00081%); highest among the groups gnomAD compares: East Asian, 0.0022%; no homozygotes.

Submissions (2):

Labcorp Genetics (formerly Invitae), Labcorp
Classification: Uncertain significance for Familial meningioma. Last evaluated: 2025-11-23. Review status: criteria provided, single submitter. Criteria: Invitae Variant Classification Sherloc (09022015). Collection method: clinical testing. Allele origin: germline.
Comment: This sequence change replaces arginine, which is basic and polar, with histidine, which is basic and polar, at codon 297 of the SMARCE1 protein (p.Arg297His). This variant is present in population databases (no rsID available, gnomAD 0.003%). This variant has not been reported in the literature in individuals affected with SMARCE1-related conditions. ClinVar contains an entry for this variant (Variation ID: 822821). Invitae Evidence Modeling of protein sequence and biophysical properties (such as structural, functional, and spatial information, amino acid conservation, physicochemical variation, residue mobility, and thermodynamic stability) indicates that this missense variant is not expected to disrupt SMARCE1 protein function with a negative predictive value of 80%. In summary, the available evidence is currently insufficient to determine the role of this variant in disease. Therefore, it has been classified as a Variant of Uncertain Significance.

Ambry Genetics
Classification: Uncertain significance for Hereditary cancer-predisposing syndrome. Last evaluated: 2024-02-22. Review status: criteria provided, single submitter. Criteria: Ambry Variant Classification Scheme 2023. Collection method: clinical testing. Allele origin: germline.
Comment: The p.R297H variant (also known as c.890G>A), located in coding exon 9 of the SMARCE1 gene, results from a G to A substitution at nucleotide position 890. The arginine at codon 297 is replaced by histidine, an amino acid with highly similar properties. This amino acid position is highly conserved in available vertebrate species. In addition, this alteration is predicted to be tolerated by in silico analysis. Based on the available evidence, the clinical significance of this alteration remains unclear.